The following is an entry in ClinVar:

NM_006267.5(RANBP2):c.1282C>T (p.Arg428Ter)

Gene: RANBP2 (RAN binding protein 2; plus strand). Cytogenetic location: 2q13.
Variant type: single nucleotide variant.
Coding change: c.1282C>T on transcript NM_006267.5 (MANE Select); coding-DNA position 1282, C replaced by T.
Protein change: p.Arg428Ter; replaces arginine 428 with a stop codon.
Molecular consequence: nonsense.
Genome position (GRCh38, 1-based): chr2:108,751,272, C>T. VCF-style: chr2-108751272-C-T. GRCh37 (hg19) VCF-style: chr2-109367728-C-T.
Other names: short protein forms R428*.
Identifiers: ClinVar variation 1723446 (VCV001723446.3), dbSNP rs773199480, ClinGen allele CA1822296.

ClinVar aggregate classification (germline): Uncertain significance. Review status: criteria provided, multiple submitters, no conflicts (2 of 4 stars). 2 submissions from 2 submitters: Uncertain significance (2). Last evaluated 2024-10-19.

Allele frequency attached by ClinVar (database versions not stated): ExAC 0.00001.

Submissions (2):

GeneDx
Classification: Uncertain significance. Last evaluated: 2024-10-19. Review status: criteria provided, single submitter. Criteria: GeneDx Variant Classification Process June 2021. Collection method: clinical testing. Allele origin: germline.
Comment: Not observed at significant frequency in large population cohorts (gnomAD); Nonsense variant predicted to result in protein truncation or nonsense mediated decay in a gene for which loss of function is not a well-established mechanism of disease; Has not been previously published as pathogenic or benign to our knowledge

Women's Health and Genetics/Laboratory Corporation of America, LabCorp
Classification: Uncertain significance. Last evaluated: 2022-10-04. Review status: criteria provided, single submitter. Criteria: LabCorp Variant Classification Summary - May 2015. Collection method: clinical testing. Allele origin: germline.
Comment: Variant summary: RANBP2 c.1282C>T (p.Arg428X) results in a premature termination codon, predicted to cause a truncation of the encoded protein or absence of the protein. Truncations downstream of this position have been classified as VUS in ClinVar. The variant allele was found at a frequency of 4e-06 in 249560 control chromosomes (gnomAD). To our knowledge, no occurrence of c.1282C>T in individuals affected with Familial Acute Necrotizing Encephalopathy and no experimental evidence demonstrating its impact on protein function have been reported. No clinical diagnostic laboratories have submitted clinical-significance assessments for this variant to ClinVar after 2014. Currently available evidence is insufficient to establish a role for this variant. Based on the evidence outlined above, the variant was classified as uncertain significance.